The following is an entry in ClinVar:

NM_018975.4(TERF2IP):c.488T>C (p.Leu163Ser)

Gene: TERF2IP (TERF2 interacting protein; plus strand). Cytogenetic location: 16q23.1.
Variant type: single nucleotide variant.
Coding change: c.488T>C on transcript NM_018975.4 (MANE Select); coding-DNA position 488, T replaced by C.
Protein change: p.Leu163Ser; replaces leucine 163 with serine.
Molecular consequence: missense variant. On other transcripts: non-coding transcript variant (1).
Genome position (GRCh38, 1-based): chr16:75,648,370, T>C. VCF-style: chr16-75648370-T-C. GRCh37 (hg19) VCF-style: chr16-75682268-T-C.
Other names: short protein forms L163S.
Identifiers: ClinVar variation 3455116 (VCV003455116.1).
Genomic context (GRCh38, chr16:75,648,370, plus strand): 5'-CCATCCTTACCTACGTGAAGGAAAATGCCCGCTCGCCCAGCTCCGTCACCGGTAACGCCT[T>C]GTGGAAAGCGATGGAGAAGAGCTCGCTCACGCAGCACTCGTGGCAGTCCCTGAAGGACCG-3'
Protein context (NP_061848.2, residues 153-173): RSPSSVTGNA[Leu163Ser]WKAMEKSSLT

ClinVar aggregate classification (germline): Uncertain significance (1 of 4 stars; one submission).

gnomAD v4.1: 2 of 1,604,452 alleles (0.00012%); highest among the groups gnomAD compares: Admixed American, 0.0034%; no homozygotes.

Submission:

Ambry Genetics
Classification: Uncertain significance. Last evaluated: 2024-09-27. Review status: criteria provided, single submitter. Criteria: Ambry Variant Classification Scheme 2023. Collection method: clinical testing. Allele origin: germline.
Comment: The p.L163S variant (also known as c.488T>C), located in coding exon 1 of the TERF2IP gene, results from a T to C substitution at nucleotide position 488. The leucine at codon 163 is replaced by serine, an amino acid with dissimilar properties. This amino acid position is conserved. In addition, the in silico prediction for this alteration is inconclusive. Based on the available evidence, the clinical significance of this variant remains unclear.